The following is an entry in ClinVar:

ClinVar aggregate classification (germline): Conflicting classifications of pathogenicity. Review status: criteria provided, conflicting classifications (1 of 4 stars). 5 submissions from 5 submitters: Uncertain significance (4); Likely benign (1). Last evaluated 2026-01-19.

Conditions:
Rhabdoid tumor predisposition syndrome 2 (RTPS2). Identifiers: Orphanet 231108, Orphanet 69077, MedGen C2750074, MONDO:0013224, OMIM 613325.
Hereditary cancer-predisposing syndrome. Also called: Tumor predisposition; Hereditary neoplastic syndrome; Hereditary Cancer Syndrome; Neoplastic Syndromes, Hereditary. Identifiers: Orphanet 140162, MedGen C0027672, MeSH D009386, MONDO:0015356.
Intellectual disability, autosomal dominant 16 (CSS4). Also called: COFFIN-SIRIS SYNDROME 4. Identifiers: Orphanet 1465, MedGen C3553249, MONDO:0013821, OMIM 614609.

Allele frequency attached by ClinVar (database versions not stated): 1000 Genomes Project 30x 0.00031; gnomAD exomes below 0.00001; 1000 Genomes Project 0.00020; TOPMed below 0.00001; ExAC 0.00001; gnomAD 0.00001.
gnomAD v4.1: 3 of 1,614,022 alleles (0.00019%); highest among the groups gnomAD compares: African/African-American, 0.0013%; no homozygotes.

Submissions (5):

Labcorp Genetics (formerly Invitae), Labcorp
Classification: Uncertain significance for Rhabdoid tumor predisposition syndrome 2. Last evaluated: 2026-01-19. Review status: criteria provided, single submitter. Criteria: Invitae Variant Classification Sherloc (09022015). Collection method: clinical testing. Allele origin: germline.
Comment: This sequence change replaces isoleucine, which is neutral and non-polar, with valine, which is neutral and non-polar, at codon 378 of the SMARCA4 protein (p.Ile378Val). This variant is present in population databases (rs540717794, gnomAD 0.007%). This variant has not been reported in the literature in individuals affected with SMARCA4-related conditions. ClinVar contains an entry for this variant (Variation ID: 238365). Invitae Evidence Modeling of protein sequence and biophysical properties (such as structural, functional, and spatial information, amino acid conservation, physicochemical variation, residue mobility, and thermodynamic stability) has been performed for this missense variant. However, the output from this modeling did not meet the statistical confidence thresholds required to predict the impact of this variant on SMARCA4 protein function. In summary, the available evidence is currently insufficient to determine the role of this variant in disease. Therefore, it has been classified as a Variant of Uncertain Significance.

GeneDx
Classification: Uncertain significance. Last evaluated: 2024-01-28. Review status: criteria provided, single submitter. Criteria: GeneDx Variant Classification Process June 2021. Collection method: clinical testing. Allele origin: germline.
Comment: In silico analysis supports that this missense variant does not alter protein structure/function; Has not been previously published as pathogenic or benign to our knowledge

Baylor Genetics
Classification: Uncertain significance for Rhabdoid tumor predisposition syndrome 2. Last evaluated: 2023-11-09. Review status: criteria provided, single submitter. Criteria: ACMG Guidelines, 2015. Collection method: clinical testing. Allele origin: unknown.

Ambry Genetics
Classification: Likely benign for Hereditary cancer-predisposing syndrome. Last evaluated: 2023-02-02. Review status: criteria provided, single submitter. Criteria: Ambry Variant Classification Scheme 2023. Collection method: clinical testing. Allele origin: germline.

Genome-Nilou Lab
Classification: Uncertain significance for Intellectual disability, autosomal dominant 16. Last evaluated: 2021-07-15. Review status: criteria provided, single submitter. Criteria: ACMG Guidelines, 2015. Collection method: clinical testing. Allele origin: germline. Affected: no.

NM_003072.5(SMARCA4):c.1132A>G (p.Ile378Val)

Gene: SMARCA4 (SWI/SNF related BAF chromatin remodeling complex subunit ATPase 4; plus strand). Cytogenetic location: 19p13.2.
Variant type: single nucleotide variant.
Coding change: c.1132A>G on transcript NM_003072.5 (MANE Select); coding-DNA position 1132, A replaced by G.
Protein change: p.Ile378Val; replaces isoleucine 378 with valine.
Molecular consequence: missense variant. On other transcripts: non-coding transcript variant (1).
Genome position (GRCh38, 1-based): chr19:10,989,330, A>G. VCF-style: chr19-10989330-A-G. GRCh37 (hg19) VCF-style: chr19-11100006-A-G.
Other names: c.1132A>G, p.Ile378Val (NM_001128844.3, NM_001128845.2, NM_001128846.2 and 5 more transcripts); short protein forms I378V.
Identifiers: ClinVar variation 238365 (VCV000238365.19), dbSNP rs540717794, ClinGen allele CA9203704.